The following is an entry in ClinVar:

NM_014484.5(MOCS3):c.446A>G (p.Asn149Ser)

Gene: MOCS3 (molybdenum cofactor synthesis 3; plus strand). Cytogenetic location: 20q13.13.
Variant type: single nucleotide variant.
Coding change: c.446A>G on transcript NM_014484.5 (MANE Select); coding-DNA position 446, A replaced by G.
Protein change: p.Asn149Ser; replaces asparagine 149 with serine.
Molecular consequence: missense variant.
Genome position (GRCh38, 1-based): chr20:50,959,288, A>G. VCF-style: chr20-50959288-A-G. GRCh37 (hg19) VCF-style: chr20-49575825-A-G.
Other names: short protein forms N149S.
Identifiers: ClinVar variation 1391963 (VCV001391963.6), dbSNP rs540199252, ClinGen allele CA9909408.

ClinVar aggregate classification (germline): Uncertain significance (1 of 4 stars; one submission).

Allele frequency attached by ClinVar (database versions not stated): gnomAD 0.00004 and 0.00005; gnomAD exomes 0.00010; 1000 Genomes Project 30x 0.00016; ExAC 0.00017; 1000 Genomes Project 0.00020.
gnomAD v4.1: 64 of 1,610,432 alleles (0.004%); highest among the groups gnomAD compares: East Asian, 0.013%; no homozygotes.

Submission:

Labcorp Genetics (formerly Invitae), Labcorp
Classification: Uncertain significance. Last evaluated: 2025-10-13. Review status: criteria provided, single submitter. Criteria: Invitae Variant Classification Sherloc (09022015). Collection method: clinical testing. Allele origin: germline.
Comment: This sequence change replaces asparagine, which is neutral and polar, with serine, which is neutral and polar, at codon 149 of the MOCS3 protein (p.Asn149Ser). This variant is present in population databases (rs540199252, gnomAD 0.02%). This variant has not been reported in the literature in individuals affected with MOCS3-related conditions. ClinVar contains an entry for this variant (Variation ID: 1391963). An algorithm developed to predict the effect of missense changes on protein structure and function (PolyPhen-2) suggests that this variant is likely to be disruptive. In summary, the available evidence is currently insufficient to determine the role of this variant in disease. Therefore, it has been classified as a Variant of Uncertain Significance.